The following is an entry in ClinVar:

NM_020944.3(GBA2):c.1244_1245delinsG (p.Pro415fs)

Gene: GBA2 (glucosylceramidase beta 2; minus strand). Cytogenetic location: 9p13.3.
Variant type: Indel.
Coding change: c.1244_1245delinsG on transcript NM_020944.3 (MANE Select); coding-DNA positions 1244 to 1245, CC replaced by G.
Protein change: p.Pro415fs; shifts the reading frame from proline 415.
Molecular consequence: frameshift variant.
Genome position (GRCh38, 1-based): chr9:35,740,247-35,740,248, GG replaced by C on the plus strand (CC replaced by G on the coding strand, the reverse complement: GBA2 is on the minus strand). VCF-style: chr9-35740247-GG-C. GRCh37 (hg19) VCF-style: chr9-35740244-GG-C.
Other names: c.1244_1245delinsG, p.Pro415fs (NM_001330660.2); short protein forms P415fs.
Identifiers: ClinVar variation 5007448 (VCV005007448.2).

ClinVar aggregate classification (germline): Likely pathogenic (1 of 4 stars; one submission).

Conditions:
Hereditary spastic paraplegia 46. Also called: Spastic paraplegia 46, autosomal recessive. Identifiers: Orphanet 320391, MedGen C2828721, MONDO:0013737, OMIM 614409.

Submission:

Juno Genomics, Hangzhou Juno Genomics, Inc
Classification: Likely pathogenic for Hereditary spastic paraplegia 46. Review status: criteria provided, single submitter. Criteria: ACMG Guidelines, 2015. Collection method: clinical testing. Allele origin: germline.
Comment: Null variant in a gene where loss of function (LOF) is a known mechanism of disease.;Absent from controls (or at extremely low frequency if recessive) in Genome Aggregation Database.